The following is an entry in ClinVar:

ClinVar aggregate classification (germline): Conflicting classifications of pathogenicity. Review status: criteria provided, conflicting classifications (1 of 4 stars). 6 submissions from 5 submitters: Uncertain significance (1); Likely benign (4). 1 of the submissions does not count toward it. Last evaluated 2026-01-28.

Conditions:
Lethal congenital contractural syndrome Finnish type.
Lethal arthrogryposis-anterior horn cell disease syndrome (CAAHD). Also called: CONGENITAL ARTHROGRYPOSIS WITH ANTERIOR HORN CELL DISEASE. Identifiers: Orphanet 53696, MedGen C5193016, MONDO:0012750, OMIM 611890.
Lethal congenital contracture syndrome 1 (LCCS1). Also called: MULTIPLE CONTRACTURE SYNDROME, FINNISH TYPE. Identifiers: Orphanet 1486, MedGen C1854664, MONDO:0009670, OMIM 253310.

Allele frequency attached by ClinVar (database versions not stated): gnomAD exomes 0.00012 and 0.00039; ExAC 0.00047; 1000 Genomes Project 30x 0.00109; 1000 Genomes Project 0.00140; gnomAD 0.00140 and 0.00155; TOPMed 0.00144; ESP Exome Variant Server 0.00177.
gnomAD v4.1: 395 of 1,613,948 alleles (0.024%); highest among the groups gnomAD compares: African/African-American, 0.49%; 1 homozygote.

Submissions (6):

Labcorp Genetics (formerly Invitae), Labcorp
Classification: Likely benign. Last evaluated: 2026-01-28. Review status: criteria provided, single submitter. Criteria: Invitae Variant Classification Sherloc (09022015). Collection method: clinical testing. Allele origin: germline.

Blueprint Genetics
Classification: Likely benign. Last evaluated: 2024-10-08. Review status: criteria provided, single submitter. Criteria: ACMG Guidelines, 2015. Collection method: clinical testing. Allele origin: germline.

Illumina Laboratory Services, Illumina
Classification: Likely benign for Lethal arthrogryposis-anterior horn cell disease syndrome. Last evaluated: 2018-01-13. Review status: criteria provided, single submitter. Criteria: ICSL Variant Classification Criteria 13 December 2019. Collection method: clinical testing. Allele origin: germline.
Comment: This variant was observed in the ICSL laboratory as part of a predisposition screen in an ostensibly healthy population. It had not been previously curated by ICSL or reported in the Human Gene Mutation Database (HGMD: prior to June 1st, 2018), and was therefore a candidate for classification through an automated scoring system. Utilizing variant allele frequency, disease prevalence and penetrance estimates, and inheritance mode, an automated score was calculated to assess if this variant is too frequent to cause the disease. Based on the score and internal cut-off values, a variant classified as likely benign is not then subjected to further curation. The score for this variant resulted in a classification of likely benign for this disease.

Illumina Laboratory Services, Illumina
Classification: Likely benign for Lethal congenital contracture syndrome 1. Last evaluated: 2018-01-13. Review status: criteria provided, single submitter. Criteria: ICSL Variant Classification Criteria 13 December 2019. Collection method: clinical testing. Allele origin: germline.
Comment: the same text as in the submission from Illumina Laboratory Services, Illumina above.

Eurofins Ntd Llc (ga)
Classification: Uncertain significance. Last evaluated: 2016-07-21. Review status: criteria provided, single submitter. Criteria: EGL Classification Definitions 2015. Collection method: clinical testing. Allele origin: germline. Observed: 1 variant allele, 1 heterozygote.

Natera, Inc.
Classification: Uncertain significance for Lethal congenital contractural syndrome Finnish type. Last evaluated: 2020-04-13. Review status: no assertion criteria provided. Collection method: clinical testing. Allele origin: germline. Not counted in ClinVar's aggregate classification.

NM_001003722.2(GLE1):c.1393T>A (p.Ser465Thr)

Genes: GLE1 (GLE1 RNA export mediator; plus strand), LOC101929270 (uncharacterized LOC101929270; minus strand). Cytogenetic location: 9q34.11.
Variant type: single nucleotide variant.
Coding change: c.1393T>A on transcript NM_001003722.2 (MANE Select); coding-DNA position 1393, T replaced by A.
Protein change: p.Ser465Thr; replaces serine 465 with threonine.
Molecular consequence: missense variant.
Genome position (GRCh38, 1-based): chr9:128,533,593, T>A. VCF-style: chr9-128533593-T-A. GRCh37 (hg19) VCF-style: chr9-131295872-T-A.
Other names: c.1393T>A, p.Ser465Thr (NM_001499.2); short protein forms S465T.
Identifiers: ClinVar variation 289027 (VCV000289027.22), dbSNP rs141709685, ClinGen allele CA5263851.
Genomic context (GRCh38, chr9:128,533,593, plus strand): 5'-TTTGACAAGATCCACAGCCTGCTCTCTGGAAAACCTGTTCAATCTGGTGGGCGCTCTGTG[T>A]CTGTCACACTTAACCCACAGGGGCTGGACTTTGTTCAATACAAACTGGCAGAGAAATTTG-3'
Protein context (NP_001003722.1, residues 455-475): KPVQSGGRSV[Ser465Thr]VTLNPQGLDF